The following is an entry in ClinVar:

ClinVar aggregate classification (germline): Benign/Likely benign. Review status: criteria provided, multiple submitters, no conflicts (2 of 4 stars). 2 submissions from 2 submitters: Benign (1); Likely benign (1). Last evaluated 2025-09-28.

Conditions:
Multiple cutaneous and mucosal venous malformations (VMCM). Also called: TEK-Related Multiple Cutaneous and Mucosal Venous Malformations (VMCM). Identifiers: Orphanet 2451, MedGen C1838437, MONDO:0010842, OMIM 600195.

Allele frequency attached by ClinVar (database versions not stated): TOPMed 0.00005; 1000 Genomes Project 0.00040; gnomAD 0.00004 and 0.00006; 1000 Genomes Project 30x 0.00047.
gnomAD v4.1: 62 of 1,613,720 alleles (0.0038%); highest among the groups gnomAD compares: South Asian, 0.027%; no homozygotes.

Submissions (2):

Labcorp Genetics (formerly Invitae), Labcorp
Classification: Likely benign. Last evaluated: 2025-09-28. Review status: criteria provided, single submitter. Criteria: Invitae Variant Classification Sherloc (09022015). Collection method: clinical testing. Allele origin: germline.

Illumina Laboratory Services, Illumina
Classification: Benign for Multiple cutaneous and mucosal venous malformations. Last evaluated: 2018-01-12. Review status: criteria provided, single submitter. Criteria: ICSL Variant Classification Criteria 13 December 2019. Collection method: clinical testing. Allele origin: germline.
Comment: This variant was observed in the ICSL laboratory as part of a predisposition screen in an ostensibly healthy population. It had not been previously curated by ICSL or reported in the Human Gene Mutation Database (HGMD: prior to June 1st, 2018), and was therefore a candidate for classification through an automated scoring system. Utilizing variant allele frequency, disease prevalence and penetrance estimates, and inheritance mode, an automated score was calculated to assess if this variant is too frequent to cause the disease. Based on the score and internal cut-off values, a variant classified as benign is not then subjected to further curation. The score for this variant resulted in a classification of benign for this disease.

NM_000459.5(TEK):c.3369G>A (p.Ala1123=)

Gene: TEK (TEK receptor tyrosine kinase; plus strand). Cytogenetic location: 9p21.2.
Variant type: single nucleotide variant.
Coding change: c.3369G>A on transcript NM_000459.5 (MANE Select); coding-DNA position 3369, G replaced by A.
Protein change: p.Ala1123=; no amino-acid change (alanine 1123 retained).
Molecular consequence: synonymous variant.
Genome position (GRCh38, 1-based): chr9:27,229,226, G>A. VCF-style: chr9-27229226-G-A. GRCh37 (hg19) VCF-style: chr9-27229224-G-A.
Other names: c.3240G>A, p.Ala1080= (NM_001290077.2); c.2925G>A, p.Ala975= (NM_001290078.2); c.3366G>A, p.Ala1122= (NM_001375475.1); c.3237G>A, p.Ala1079= (NM_001375476.1).
Identifiers: ClinVar variation 366457 (VCV000366457.9), dbSNP rs544322437, ClinGen allele CA5016845.